The following is an entry in ClinVar:

NM_018474.6(KIZ):c.1382C>T (p.Pro461Leu)

Genes: KIZ (kizuna centrosomal protein; plus strand), KIZ-AS1 (KIZ antisense RNA 1; minus strand). Cytogenetic location: 20p11.23.
Variant type: single nucleotide variant.
Coding change: c.1382C>T on transcript NM_018474.6 (MANE Select); coding-DNA position 1382, C replaced by T.
Protein change: p.Pro461Leu; replaces proline 461 with leucine.
Molecular consequence: missense variant.
Genome position (GRCh38, 1-based): chr20:21,205,520, C>T. VCF-style: chr20-21205520-C-T. GRCh37 (hg19) VCF-style: chr20-21186159-C-T.
Other names: c.1073C>T, p.Pro358Leu (NM_001163022.3, NM_001352435.2); c.983C>T, p.Pro328Leu (NM_001163023.3); c.1235C>T, p.Pro412Leu (NM_001276389.2); c.1382C>T, p.Pro461Leu (NM_001352434.2); c.1040C>T, p.Pro347Leu (NM_001352436.2); short protein forms P328L, P412L, P461L, P347L, P358L.
Identifiers: ClinVar variation 838416 (VCV000838416.10), dbSNP rs758224894, ClinGen allele CA9784850.

ClinVar aggregate classification (germline): Conflicting classifications of pathogenicity. Review status: criteria provided, conflicting classifications (1 of 4 stars). 3 submissions from 3 submitters: Uncertain significance (1); Likely benign (1). 1 of the submissions does not count toward it. Last evaluated 2024-04-05.

Conditions:
Retinal dystrophy. Also called: Inherited retinal dystrophy. Identifiers: Orphanet 71862, MedGen C0854723, MeSH D058499, MONDO:0019118, HP:0000556.

Allele frequency attached by ClinVar (database versions not stated): TOPMed 0.00005; gnomAD 0.00006 and 0.00007; gnomAD exomes 0.02570; ExAC 0.21429.
gnomAD v4.1: 126 of 1,556,256 alleles (0.0081%); highest among the groups gnomAD compares: Non-Finnish European, 0.011%; no homozygotes.

Submissions (3):

Labcorp Genetics (formerly Invitae), Labcorp
Classification: Uncertain significance. Last evaluated: 2024-04-05. Review status: criteria provided, single submitter. Criteria: Invitae Variant Classification Sherloc (09022015). Collection method: clinical testing. Allele origin: germline.
Comment: This sequence change replaces proline, which is neutral and non-polar, with leucine, which is neutral and non-polar, at codon 461 of the KIZ protein (p.Pro461Leu). The frequency data for this variant in the population databases is considered unreliable, as metrics indicate poor data quality at this position in the gnomAD database. This variant has not been reported in the literature in individuals affected with KIZ-related conditions. ClinVar contains an entry for this variant (Variation ID: 838416). Experimental studies and prediction algorithms are not available or were not evaluated, and the functional significance of this variant is currently unknown. In summary, the available evidence is currently insufficient to determine the role of this variant in disease. Therefore, it has been classified as a Variant of Uncertain Significance.

Ambry Genetics
Classification: Likely benign. Last evaluated: 2023-12-19. Review status: criteria provided, single submitter. Criteria: Ambry Variant Classification Scheme 2023. Collection method: clinical testing. Allele origin: germline.

Institute of Human Genetics, Univ. Regensburg, Univ. Regensburg
Classification: Uncertain significance for Retinal dystrophy. Last evaluated: 2022-01-01. Review status: no assertion criteria provided. Criteria: ACMG Guidelines, 2015. Collection method: clinical testing. Allele origin: germline. Affected: yes. Not counted in ClinVar's aggregate classification.